The following is an entry in ClinVar:

NM_005215.4(DCC):c.2508G>C (p.Ser836=)

Gene: DCC (DCC netrin 1 receptor; plus strand). Cytogenetic location: 18q21.2.
Variant type: single nucleotide variant.
Coding change: c.2508G>C on transcript NM_005215.4 (MANE Select); coding-DNA position 2508, G replaced by C.
Protein change: p.Ser836=; no amino-acid change (serine 836 retained).
Molecular consequence: synonymous variant.
Genome position (GRCh38, 1-based): chr18:53,391,707, G>C. VCF-style: chr18-53391707-G-C. GRCh37 (hg19) VCF-style: chr18-50918077-G-C.
Identifiers: ClinVar variation 3047330 (VCV003047330.3), dbSNP rs144961254, ClinGen allele CA8967221.

ClinVar aggregate classification (germline): Likely benign. Review status: criteria provided, single submitter (1 of 4 stars). 2 submissions from 2 submitters: Likely benign (1). 1 of the submissions does not count toward it. Last evaluated 2024-11-12.

Conditions:
DCC-related disorder. Also called: DCC-related condition.

Allele frequency attached by ClinVar (database versions not stated): ExAC 0.00028; ESP Exome Variant Server 0.00038; 1000 Genomes Project 0.00040; gnomAD 0.00047; 1000 Genomes Project 30x 0.00062; TOPMed 0.00062.
gnomAD v4.1: 357 of 1,613,926 alleles (0.022%); highest among the groups gnomAD compares: Middle Eastern, 0.33%; no homozygotes.

Submissions (2):

Blueprint Genetics
Classification: Likely benign. Last evaluated: 2024-11-12. Review status: criteria provided, single submitter. Criteria: ACMG Guidelines, 2015. Collection method: clinical testing. Allele origin: germline.

PreventionGenetics, part of Exact Sciences
Classification: Likely benign for DCC-related condition. Last evaluated: 2020-08-10. Review status: no assertion criteria provided. Collection method: clinical testing. Allele origin: germline. Not counted in ClinVar's aggregate classification.
Comment: This variant is classified as likely benign based on ACMG/AMP sequence variant interpretation guidelines (Richards et al. 2015 PMID: 25741868, with internal and published modifications).